The following is an entry in ClinVar:

NM_001458.5(FLNC):c.1549+3_1549+4insT

Gene: FLNC (filamin C; plus strand). Cytogenetic location: 7q32.1.
Variant type: Insertion.
Coding change: c.1549+3_1549+4insT on transcript NM_001458.5 (MANE Select); bases 3 to 4 of the intron after coding-DNA position 1549, T inserted.
Molecular consequence: intron variant.
Genome position: GRCh38 VCF-style: chr7-128840163-G-GT. GRCh37 (hg19) VCF-style: chr7-128480217-G-GT.
Other names: c.1549+3_1549+4insT (NM_001127487.2).
Identifiers: ClinVar variation 3062014 (VCV003062014.3), dbSNP rs2536624982, ClinGen allele CA2740097544.
Genomic context (GRCh38, chr7:128,840,163, plus strand): 5'-AAGGTGTTTACCAAGGGTGCCGGCAGCGGGGAGCTCAAGGTCACGGTCAAGGGGCCAAGT[G>GT]AGTGCCAGAGCCCAGGGTCGTGAGGGTGGGGCTGGGGGATCATAAGGGAAGTATGGCCAG-3'

ClinVar aggregate classification (germline): Uncertain significance. Review status: criteria provided, multiple submitters, no conflicts (2 of 4 stars). 2 submissions from 2 submitters: Uncertain significance (2). Last evaluated 2025-06-03.

Conditions:
Hypertrophic cardiomyopathy 26. Also called: Cardiomyopathy, familial hypertrophic, 26. Identifiers: Orphanet 75249, MedGen C4310749, MONDO:0014883, OMIM 617047.

Submissions (2):

Institute of Immunology and Genetics Kaiserslautern
Classification: Uncertain significance for Hypertrophic cardiomyopathy 26. Last evaluated: 2025-06-03. Review status: criteria provided, single submitter. Criteria: ACMG Guidelines, 2015. Collection method: clinical testing. Allele origin: germline. Affected: yes.
Comment: ACMG Criteria: PM2_P, PP3; Variant was found in heterozygous state.

Institute of Human Genetics, University of Goettingen
Classification: Uncertain significance for Hypertrophic cardiomyopathy 26. Last evaluated: 2024-03-18. Review status: criteria provided, single submitter. Criteria: ACMG Guidelines, 2015. Collection method: clinical testing. Allele origin: unknown. Inheritance: Autosomal dominant inheritance. Observed: 1 heterozygote.
Comment: The variant c.1549+3_1549+4insT (p.?) in intron 9 of the FLNC gene is not found in the gnomAD database. In silico splice prediction programs (SpliceAI & Pangolin) suggest a potential impact on splicing (predicted change at donor splice site 3 bps upstream: loss of 5’ donor splice site; potential splice gain 58 bp upstream). Truncating variants in FLNC are a known mechanism of disease and associated with dilative cardiomyopathy (PMID: 34601126).The available evidence is currently insufficient to determine the role of this variant in disease. ACMG criteria used for classification: PM2_sup, BP3.